The following is an entry in ClinVar:

NM_002103.5(GYS1):c.2012A>T (p.Asp671Val)

Gene: GYS1 (glycogen synthase 1; minus strand). Cytogenetic location: 19q13.33.
Variant type: single nucleotide variant.
Coding change: c.2012A>T on transcript NM_002103.5 (MANE Select); coding-DNA position 2012, A replaced by T.
Protein change: p.Asp671Val; replaces aspartic acid 671 with valine.
Molecular consequence: missense variant. On other transcripts: non-coding transcript variant (1).
Genome position (GRCh38, 1-based): chr19:48,969,490, T>A on the plus strand (A>T on the coding strand, the complement: GYS1 is on the minus strand). VCF-style: chr19-48969490-T-A. GRCh37 (hg19) VCF-style: chr19-49472747-T-A.
Other names: c.1820A>T, p.Asp607Val (NM_001161587.2); c.2012A>T (NM_002103.4); short protein forms D671V, D607V.
Identifiers: ClinVar variation 1400081 (VCV001400081.8), dbSNP rs780892427, ClinGen allele CA9562720.

ClinVar aggregate classification (germline): Uncertain significance. Review status: criteria provided, multiple submitters, no conflicts (2 of 4 stars). 2 submissions from 2 submitters: Uncertain significance (2). Last evaluated 2025-10-06.

Conditions:
Inborn genetic diseases. Identifiers: MedGen C0950123, MeSH D030342.
Glycogen storage disease due to muscle and heart glycogen synthase deficiency. Also called: GSD 0b; MUSCLE GLYCOGEN SYNTHASE DEFICIENCY. Identifiers: Orphanet 137625, MedGen C1969054, MONDO:0012693, OMIM 611556.

Allele frequency attached by ClinVar (database versions not stated): TOPMed below 0.00001; gnomAD 0.00001; gnomAD exomes 0.00003 and 0.00005; ExAC 0.00017.
gnomAD v4.1: 49 of 1,545,012 alleles (0.0032%); highest among the groups gnomAD compares: Middle Eastern, 0.043%; no homozygotes.

Submissions (2):

Ambry Genetics
Classification: Uncertain significance for Inborn genetic diseases. Last evaluated: 2025-10-06. Review status: criteria provided, single submitter. Criteria: Ambry Variant Classification Scheme 2023. Collection method: clinical testing. Allele origin: germline.

Labcorp Genetics (formerly Invitae), Labcorp
Classification: Uncertain significance for Glycogen storage disease due to muscle and heart glycogen synthase deficiency. Last evaluated: 2024-02-17. Review status: criteria provided, single submitter. Criteria: Invitae Variant Classification Sherloc (09022015). Collection method: clinical testing. Allele origin: germline.
Comment: This sequence change replaces aspartic acid, which is acidic and polar, with valine, which is neutral and non-polar, at codon 671 of the GYS1 protein (p.Asp671Val). This variant is present in population databases (rs780892427, gnomAD 0.03%). This variant has not been reported in the literature in individuals affected with GYS1-related conditions. ClinVar contains an entry for this variant (Variation ID: 1400081). An algorithm developed to predict the effect of missense changes on protein structure and function (PolyPhen-2) suggests that this variant is likely to be tolerated. In summary, the available evidence is currently insufficient to determine the role of this variant in disease. Therefore, it has been classified as a Variant of Uncertain Significance.